The following is an entry in ClinVar:

ClinVar aggregate classification (germline): Pathogenic. Review status: criteria provided, multiple submitters, no conflicts (2 of 4 stars). 5 submissions from 5 submitters: Pathogenic (4). 1 of the submissions does not count toward it. Last evaluated 2026-06-22.

Conditions:
Metaphyseal chondrodysplasia, Jansen type. Also called: PTH1R-Related Jansen Metaphyseal Chondrodysplasia; Metaphyseal chondrodysplasia Murk Jansen type. Identifiers: Orphanet 33067, MedGen C0265295, MONDO:0007982, OMIM 156400.
Primary failure of tooth eruption. Also called: DENTAL NONERUPTION; POSTERIOR OPENBITE MALOCCLUSION, FAMILIAL; PRIMARY RETENTION OF TEETH; UNERUPTED SECOND PRIMARY MOLAR. Identifiers: Orphanet 412206, MedGen C1852222, MONDO:0007434, OMIM 125350.

Submissions (5):

GeneDx
Classification: Pathogenic. Last evaluated: 2026-06-22. Review status: criteria provided, single submitter. Criteria: GeneDx Variant Classification Process June 2021. Collection method: clinical testing. Allele origin: germline.
Comment: Published functional studies suggest H223R results in a constitutively active receptor that is damaging to normal receptor function (PMID: 7701349, 27160269); Not observed at significant frequency in large population cohorts (gnomAD); In silico analysis supports that this missense variant has a deleterious effect on protein structure/function; This variant is associated with the following publications: (PMID: 7701349, 2716029, 31977144, 8076140, 20489161, 27160269, 22278430, 8703170, 30975883, 27410178, 31430259, 31693237, 37808400, 37268817)

Labcorp Genetics (formerly Invitae), Labcorp
Classification: Pathogenic. Last evaluated: 2024-11-05. Review status: criteria provided, single submitter. Criteria: Invitae Variant Classification Sherloc (09022015). Collection method: clinical testing. Allele origin: germline.
Comment: This sequence change replaces histidine, which is basic and polar, with arginine, which is basic and polar, at codon 223 of the PTH1R protein (p.His223Arg). This variant is not present in population databases (gnomAD no frequency). This missense change has been observed in individual(s) with autosomal dominant Jansen-type metaphyseal chondrodysplasia (PMID: 7701349, 22278430). In at least one individual the variant was observed to be de novo. ClinVar contains an entry for this variant (Variation ID: 13742). Invitae Evidence Modeling of protein sequence and biophysical properties (such as structural, functional, and spatial information, amino acid conservation, physicochemical variation, residue mobility, and thermodynamic stability) indicates that this missense variant is expected to disrupt PTH1R protein function with a positive predictive value of 80%. Experimental studies have shown that this missense change affects PTH1R function (PMID: 7701349). For these reasons, this variant has been classified as Pathogenic.

ARUP Laboratories, Molecular Genetics and Genomics, ARUP Laboratories
Classification: Pathogenic. Last evaluated: 2024-06-21. Review status: criteria provided, single submitter. Criteria: ARUP Molecular Germline Variant Investigation Process 2024. Collection method: clinical testing. Allele origin: germline.
Comment: The PTH1R c.668A>G; p.His223Arg variant (rs121434597, ClinVar Variation ID: 13742) is reported in the literature in several individuals affected with Jansen-type metaphyseal chondrodysplasia (Brown 2009, Minagawa 1997, Nampoothiri 2016, Onuchic 2012, Schipani 1995, Schipani 1996), as both an apparently de novo variant and as a variant that segregated with disease in affected family members. This variant is absent from the Genome Aggregation Database (v2.1.1), indicating it is not a common polymorphism. In vitro functional analyses demonstrate constitutive, ligand-independent basal cAMP accumulation and increased agonist binding affinity in COS-7 cells expressing the mutant receptor compared to cells expressing the wild-type receptor (Schipani 1995, Schipani 1996, Schipani 1997). Computational analyses are uncertain whether this variant is neutral or deleterious (REVEL: 0.684). Based on available information, this variant is considered to be pathogenic References: Brown WW et al. Hypophosphatemia with elevations in serum fibroblast growth factor 23 in a child with Jansen's metaphyseal chondrodysplasia. J Clin Endocrinol Metab. 2009 Jan;94(1):17-20. PMID: 18854401. Minagawa M et al. Jansen-type metaphyseal chondrodysplasia: analysis of PTH/PTH-related protein receptor messenger RNA by the reverse transcriptase-polymerase chain method. Endocr J. 1997 Aug;44(4):493-9. PMID: 9447281. Nampoothiri S et al. Jansen Metaphyseal Chondrodysplasia due to Heterozygous H223R-PTH1R Mutations With or Without Overt Hypercalcemia. J Clin Endocrinol Metab. 2016 Nov;101(11):4283-4289. PMID: 27410178. Onuchic L et al. Potential effects of alendronate on fibroblast growth factor 23 levels and effective control of hypercalciuria in an adult with Jansen's metaphyseal chondrodysplasia. J Clin Endocrinol Metab. 2012 Apr;97(4):1098-103. PMID: 22278430. Schipani E et al. A constitutively active mutant PTH-PTHrP receptor in Jansen-type metaphyseal chondrodysplasia. Science. 1995 Apr 7;268(5207):98-100. PMID: 7701349. Schipani E et al. Constitutively activated receptors for parathyroid hormone and parathyroid hormone-related peptide in Jansen's metaphyseal chondrodysplasia. N Engl J Med. 1996 Sep 5;335(10):708-14. PMID: 8703170. Schipani E et al. Constitutive activation of the cyclic adenosine 3',5'-monophosphate signaling pathway by parathyroid hormone (PTH)/PTH-related peptide receptors mutated at the two loci for Jansen's metaphyseal chondrodysplasia. Mol Endocrinol. 1997 Jun;11(7):851-8. PMID: 9178745.

Mendelics
Classification: Pathogenic for Primary failure of tooth eruption. Last evaluated: 2022-05-04. Review status: criteria provided, single submitter. Criteria: Mendelics Assertion Criteria 2019. Collection method: clinical testing. Allele origin: germline.

OMIM
Classification: Pathogenic for METAPHYSEAL CHONDRODYSPLASIA, MURK JANSEN TYPE. Last evaluated: 1996-09-05. Review status: no assertion criteria provided. Collection method: literature only. Allele origin: germline. Not counted in ClinVar's aggregate classification.

Literature cited by the submitters: PubMed 7701349 (cited by Labcorp Genetics (formerly Invitae), Labcorp and OMIM); PubMed 22278430 (cited by Labcorp Genetics (formerly Invitae), Labcorp); PubMed 8076140 (cited by OMIM); PubMed 8703170 (cited by OMIM).

NM_000316.3(PTH1R):c.668A>G (p.His223Arg)

Gene: PTH1R (parathyroid hormone 1 receptor; plus strand). Cytogenetic location: 3p21.31.
Variant type: single nucleotide variant.
Coding change: c.668A>G on transcript NM_000316.3 (MANE Select); coding-DNA position 668, A replaced by G.
Protein change: p.His223Arg; replaces histidine 223 with arginine.
Molecular consequence: missense variant.
Genome position (GRCh38, 1-based): chr3:46,898,691, A>G. VCF-style: chr3-46898691-A-G. GRCh37 (hg19) VCF-style: chr3-46940181-A-G.
Other names: c.668A>G (NM_000316.2); c.668A>G, p.His223Arg (NM_001184744.1); short protein forms H223R.
Identifiers: ClinVar variation 13742 (VCV000013742.8), dbSNP rs121434597, ClinGen allele CA123421.